The following is an entry in ClinVar:

NM_003107.3(SOX4):c.32C>T (p.Thr11Met)

Gene: SOX4 (SRY-box transcription factor 4; plus strand). Cytogenetic location: 6p22.3.
Variant type: single nucleotide variant.
Coding change: c.32C>T on transcript NM_003107.3 (MANE Select); coding-DNA position 32, C replaced by T.
Protein change: p.Thr11Met; replaces threonine 11 with methionine.
Molecular consequence: missense variant.
Genome position (GRCh38, 1-based): chr6:21,594,566, C>T. VCF-style: chr6-21594566-C-T. GRCh37 (hg19) VCF-style: chr6-21594797-C-T.
Other names: short protein forms T11M.
Identifiers: ClinVar variation 2507376 (VCV002507376.1), dbSNP rs1470249126, ClinGen allele CA363269290.

ClinVar aggregate classification (germline): Uncertain significance (1 of 4 stars; one submission).

Allele frequency attached by ClinVar (database versions not stated): gnomAD exomes below 0.00001.
gnomAD v4.1: 2 of 1,607,200 alleles (0.00012%); highest among the groups gnomAD compares: East Asian, 0.0022%; no homozygotes.

Submission:

GeneDx
Classification: Uncertain significance. Last evaluated: 2023-01-03. Review status: criteria provided, single submitter. Criteria: GeneDx Variant Classification Process June 2021. Collection method: clinical testing. Allele origin: germline. Affected: yes.
Comment: In silico analysis supports that this missense variant has a deleterious effect on protein structure/function; Has not been previously published as pathogenic or benign to our knowledge